The following is an entry in ClinVar:

ClinVar aggregate classification (germline): Likely benign (1 of 4 stars; one submission).

gnomAD v4.1: 16 of 1,561,218 alleles (0.001%); highest among the groups gnomAD compares: South Asian, 0.0035%; no homozygotes.

Submission:

CeGaT Center for Human Genetics Tuebingen
Classification: Likely benign. Last evaluated: 2026-02-01. Review status: criteria provided, single submitter. Criteria: CeGaT Center For Human Genetics Tuebingen Variant Classification Criteria Version 2. Collection method: clinical testing. Allele origin: germline. Affected: yes. Observed: 1 variant allele.
Comment: SLC22A24: BP4, BP7

NM_001136506.2(SLC22A24):c.1245G>A (p.Pro415=)

Gene: SLC22A24 (solute carrier family 22 member 24; minus strand). Cytogenetic location: 11q12.3.
Variant type: single nucleotide variant.
Coding change: c.1245G>A on transcript NM_001136506.2 (MANE Select); coding-DNA position 1245, G replaced by A.
Protein change: p.Pro415=; no amino-acid change (proline 415 retained).
Molecular consequence: synonymous variant.
Genome position (GRCh38, 1-based): chr11:63,083,283, C>T on the plus strand (G>A on the coding strand, the complement: SLC22A24 is on the minus strand). VCF-style: chr11-63083283-C-T. GRCh37 (hg19) VCF-style: chr11-62850755-C-T.
Identifiers: ClinVar variation 4822636 (VCV004822636.4).
Genomic context (GRCh38, chr11:63,083,283, plus strand): 5'-GAAACTCCTGTCTCTCTCACCTTGGGGCAAAAAGGTGTTGACCAGAATGAAAAGTCCCAC[C>T]GGGAACGTGAACAATATCTGGCTTATTCGACGACCCATATGATTCAGTGTCAAAAGGGAA-3'
Protein context (NP_001129978.2, residues 405-425): RRISQILFTF[Pro415=]VGLFILVNTF